The following is an entry in ClinVar:

ClinVar aggregate classification (germline): Uncertain significance. Review status: criteria provided, multiple submitters, no conflicts (2 of 4 stars). 4 submissions from 4 submitters: Uncertain significance (4). Last evaluated 2026-07-06.

Conditions:
Cardiovascular phenotype. Identifiers: MedGen CN230736.
ZNF469-related disorder. Also called: ZNF469-related condition.

gnomAD v4.1: 12 of 1,549,252 alleles (0.00077%); highest among the groups gnomAD compares: Non-Finnish European, 0.001%; no homozygotes.

Submissions (4):

PreventionGenetics, part of Exact Sciences
Classification: Uncertain significance for ZNF469-related condition. Last evaluated: 2026-07-06. Review status: criteria provided, single submitter. Criteria: ACMG Guidelines, 2015. Collection method: clinical testing. Allele origin: germline.
Comment: The ZNF469 c.9602A>G variant is predicted to result in the amino acid substitution p.Asn3201Ser. To our knowledge, this variant has not been reported in the literature. This variant is reported in 0.0030% of alleles in individuals of European (Non-Finnish) descent in gnomAD. At this time, the clinical significance of this variant is uncertain due to the absence of conclusive functional and genetic evidence.

Ambry Genetics
Classification: Uncertain significance for Cardiovascular phenotype. Last evaluated: 2025-03-07. Review status: criteria provided, single submitter. Criteria: Ambry Variant Classification Scheme 2023. Collection method: clinical testing. Allele origin: germline.

Mayo Clinic Laboratories, Mayo Clinic
Classification: Uncertain significance. Last evaluated: 2025-01-23. Review status: criteria provided, single submitter. Criteria: ACMG Guidelines, 2015. Collection method: clinical testing. Allele origin: germline. Observed: 1 variant allele.
Comment: BP4, PM2_supporting

GeneDx
Classification: Uncertain significance. Last evaluated: 2024-10-03. Review status: criteria provided, single submitter. Criteria: GeneDx Variant Classification Process June 2021. Collection method: clinical testing. Allele origin: germline. Affected: yes.
Comment: Not observed at significant frequency in large population cohorts (gnomAD); In silico analysis indicates that this missense variant does not alter protein structure/function; Has not been previously published as pathogenic or benign to our knowledge

NM_001367624.2(ZNF469):c.9686A>G (p.Asn3229Ser)

Gene: ZNF469 (zinc finger protein 469; plus strand). Cytogenetic location: 16q24.2.
Variant type: single nucleotide variant.
Coding change: c.9686A>G on transcript NM_001367624.2 (MANE Select); coding-DNA position 9686, A replaced by G.
Protein change: p.Asn3229Ser; replaces asparagine 3229 with serine.
Molecular consequence: missense variant.
Genome position (GRCh38, 1-based): chr16:88,437,156, A>G. VCF-style: chr16-88437156-A-G. GRCh37 (hg19) VCF-style: chr16-88503564-A-G.
Other names: NM_001127464.1:c.9602A>G; p.Asn3229Ser; NM_001127464.2:c.9602A>G; short protein forms N3229S.
Identifiers: ClinVar variation 3776696 (VCV003776696.4).